The following is an entry in ClinVar:

ClinVar aggregate classification (germline): Uncertain significance (1 of 4 stars; one submission).

Allele frequency attached by ClinVar (database versions not stated): ExAC 0.00001; gnomAD exomes 0.00001; TOPMed 0.00001.
gnomAD v4.1: 9 of 1,607,010 alleles (0.00056%); highest among the groups gnomAD compares: Admixed American, 0.01%; no homozygotes.

Submission:

Labcorp Genetics (formerly Invitae), Labcorp
Classification: Uncertain significance. Last evaluated: 2025-11-24. Review status: criteria provided, single submitter. Criteria: Invitae Variant Classification Sherloc (09022015). Collection method: clinical testing. Allele origin: germline.
Comment: This sequence change replaces glutamic acid, which is acidic and polar, with lysine, which is basic and polar, at codon 292 of the SLC22A4 protein (p.Glu292Lys). This variant is present in population databases (rs746475008, gnomAD 0.01%). This variant has not been reported in the literature in individuals affected with SLC22A4-related conditions. ClinVar contains an entry for this variant (Variation ID: 2415789). Invitae Evidence Modeling of protein sequence and biophysical properties (such as structural, functional, and spatial information, amino acid conservation, physicochemical variation, residue mobility, and thermodynamic stability) indicates that this missense variant is not expected to disrupt SLC22A4 protein function with a negative predictive value of 80%. In summary, the available evidence is currently insufficient to determine the role of this variant in disease. Therefore, it has been classified as a Variant of Uncertain Significance.

NM_003059.3(SLC22A4):c.874G>A (p.Glu292Lys)

Genes: MIR3936HG (MIR3936 host gene; minus strand), SLC22A4 (solute carrier family 22 member 4; plus strand). Cytogenetic location: 5q31.1.
Variant type: single nucleotide variant.
Coding change: c.874G>A on transcript NM_003059.3 (MANE Select); coding-DNA position 874, G replaced by A.
Protein change: p.Glu292Lys; replaces glutamic acid 292 with lysine.
Molecular consequence: missense variant.
Genome position (GRCh38, 1-based): chr5:132,327,326, G>A. VCF-style: chr5-132327326-G-A. GRCh37 (hg19) VCF-style: chr5-131663019-G-A.
Other names: short protein forms E292K.
Identifiers: ClinVar variation 2415789 (VCV002415789.6), dbSNP rs746475008, ClinGen allele CA3403543.
Genomic context (GRCh38, chr5:132,327,326, plus strand): 5'-ATAAATTATAGGTTCATTCCTGAATCTCCCCGATGGCTGATATCCCAGAGAAGATTTAGA[G>A]AGGCTGAAGATATCATCCAAAAAGCTGCAAAAATGAACAACATAGCTGTACCAGCAGTGA-3'
Protein context (NP_003050.2, residues 282-302): RWLISQRRFR[Glu292Lys]AEDIIQKAAK